The following is an entry in ClinVar:

NM_001162501.2(TNRC6B):c.3936+7G>C

Gene: TNRC6B (trinucleotide repeat containing adaptor 6B; plus strand). Cytogenetic location: 22q13.1.
Variant type: single nucleotide variant.
Coding change: c.3936+7G>C on transcript NM_001162501.2 (MANE Select); 7 bases into the intron after coding-DNA position 3936, G replaced by C.
Molecular consequence: intron variant.
Genome position (GRCh38, 1-based): chr22:40,301,012, G>C. VCF-style: chr22-40301012-G-C. GRCh37 (hg19) VCF-style: chr22-40697016-G-C.
Other names: c.1524+7G>C (NM_001024843.2); c.3606+7G>C (NM_015088.3).
Identifiers: ClinVar variation 3045492 (VCV003045492.2), dbSNP rs368662731, ClinGen allele CA10247180.

ClinVar aggregate classification (germline): Likely benign (0 of 4 stars; one submission).

Conditions:
TNRC6B-related disorder. Also called: TNRC6B-related condition.

Allele frequency attached by ClinVar (database versions not stated): ExAC 0.00003; gnomAD 0.00005; TOPMed 0.00006; gnomAD exomes 0.00008; ESP Exome Variant Server 0.00016.
gnomAD v4.1: 119 of 1,609,394 alleles (0.0074%); highest among the groups gnomAD compares: Non-Finnish European, 0.0094%; no homozygotes.

Submission:

PreventionGenetics, part of Exact Sciences
Classification: Likely benign for TNRC6B-related condition. Last evaluated: 2019-11-07. Review status: no assertion criteria provided. Collection method: clinical testing. Allele origin: germline.
Comment: This variant is classified as likely benign based on ACMG/AMP sequence variant interpretation guidelines (Richards et al. 2015 PMID: 25741868, with internal and published modifications).